The following is an entry in ClinVar:

ClinVar aggregate classification (germline): Uncertain significance (1 of 4 stars; one submission).

Conditions:
Inborn genetic diseases. Identifiers: MedGen C0950123, MeSH D030342.

gnomAD v4.1: 1 of 1,613,844 alleles (0.000062%); highest among the groups gnomAD compares: Admixed American, 0.0017%; no homozygotes.

Submission:

Ambry Genetics
Classification: Uncertain significance for Inborn genetic diseases. Last evaluated: 2024-04-12. Review status: criteria provided, single submitter. Criteria: Ambry Variant Classification Scheme 2023. Collection method: clinical testing. Allele origin: germline.
Comment: The p.Y317H variant (also known as c.949T>C), located in coding exon 4 of the PIK3CA gene, results from a T to C substitution at nucleotide position 949. The tyrosine at codon 317 is replaced by histidine, an amino acid with similar properties. This amino acid position is conserved. In addition, the in silico prediction for this alteration is inconclusive. Based on the available evidence, the clinical significance of this variant remains unclear.

NM_006218.4(PIK3CA):c.949T>C (p.Tyr317His)

Gene: PIK3CA (phosphatidylinositol-4,5-bisphosphate 3-kinase catalytic subunit alpha; plus strand). Cytogenetic location: 3q26.32.
Variant type: single nucleotide variant.
Coding change: c.949T>C on transcript NM_006218.4 (MANE Select); coding-DNA position 949, T replaced by C.
Protein change: p.Tyr317His; replaces tyrosine 317 with histidine.
Molecular consequence: missense variant.
Genome position (GRCh38, 1-based): chr3:179,203,679, T>C. VCF-style: chr3-179203679-T-C. GRCh37 (hg19) VCF-style: chr3-178921467-T-C.
Other names: short protein forms Y317H.
Identifiers: ClinVar variation 3306567 (VCV003306567.1).
Genomic context (GRCh38, chr3:179,203,679, plus strand): 5'-CTGCCAATGGACTGTTTTACAATGCCATCTTATTCCAGACGCATTTCCACAGCTACACCA[T>C]ATATGAATGGAGAAACATCTACAAAATCCCTTTGGGTTATAAATAGTGCACTCAGAATAA-3'
Protein context (NP_006209.2, residues 307-327): YSRRISTATP[Tyr317His]MNGETSTKSL